The following is an entry in ClinVar:

NC_000012.11:g.(?_58144429)_(58145510_?)dup

Genes: CDK4 (cyclin dependent kinase 4; minus strand), LOC130008148 (ATAC-STARR-seq lymphoblastoid silent region 4588; plus strand). Cytogenetic location: 12q14.1.
Variant type: Duplication.
Identifiers: ClinVar variation 583424 (VCV000583424.3).

ClinVar aggregate classification (germline): Uncertain significance (1 of 4 stars; one submission).

Conditions:
Familial melanoma. Also called: Hereditary melanoma; Hereditary cutaneous melanoma. Identifiers: Orphanet 618, MedGen C1512419, MONDO:0018961.

Submission:

Labcorp Genetics (formerly Invitae), Labcorp
Classification: Uncertain significance for Hereditary cutaneous melanoma. Last evaluated: 2019-11-18. Review status: criteria provided, single submitter. Criteria: Invitae Variant Classification Sherloc (09022015). Collection method: clinical testing. Allele origin: germline.
Comment: This variant results in a copy number gain of the genomic region encompassing exons 2-5 of the CDK4 gene, which includes the initiator codon. The 5' end of this event is unknown as it extends beyond the assayed region for this gene and therefore may encompass additional genes. The 3' boundary is likely confined to intron 5 of the CDK4 gene. As the precise location of this event is unknown, it may be in tandem or it may be located elsewhere in the genome. This variant has not been reported in the literature in individuals with CDK4-related conditions. In summary, the available evidence is currently insufficient to determine the role of this variant in disease. Therefore, it has been classified as a Variant of Uncertain Significance.